The following is an entry in ClinVar:

NM_004423.4(DVL3):c.508C>G (p.Pro170Ala)

Gene: DVL3 (dishevelled segment polarity protein 3; plus strand). Cytogenetic location: 3q27.1.
Variant type: single nucleotide variant.
Coding change: c.508C>G on transcript NM_004423.4 (MANE Select); coding-DNA position 508, C replaced by G.
Protein change: p.Pro170Ala; replaces proline 170 with alanine.
Molecular consequence: missense variant.
Genome position (GRCh38, 1-based): chr3:184,164,840, C>G. VCF-style: chr3-184164840-C-G. GRCh37 (hg19) VCF-style: chr3-183882628-C-G.
Other names: short protein forms P170A.
Identifiers: ClinVar variation 2524154 (VCV002524154.4), dbSNP rs1402968787, ClinGen allele CA355405799.

ClinVar aggregate classification (germline): Conflicting classifications of pathogenicity. Review status: criteria provided, conflicting classifications (1 of 4 stars). 3 submissions from 3 submitters: Uncertain significance (2); Likely benign (1). Last evaluated 2025-02-16.

Conditions:
Inborn genetic diseases. Identifiers: MedGen C0950123, MeSH D030342.
DVL3-related disorder. Also called: DVL3-related condition.

Allele frequency attached by ClinVar (database versions not stated): gnomAD 0.00001; gnomAD exomes 0.00001; TOPMed 0.00001.

Submissions (3):

Laboratory of Genetics, Children's Clinical University Hospital Latvia
Classification: Likely benign. Last evaluated: 2025-02-16. Review status: criteria provided, single submitter. Criteria: ACMG Guidelines, 2015. Collection method: clinical testing. Allele origin: germline. Affected: yes.

PreventionGenetics, part of Exact Sciences
Classification: Uncertain significance for DVL3-related condition. Last evaluated: 2023-09-28. Review status: criteria provided, single submitter. Criteria: ACMG Guidelines, 2015. Collection method: clinical testing. Allele origin: germline.
Comment: The DVL3 c.508C>G variant is predicted to result in the amino acid substitution p.Pro170Ala. To our knowledge, this variant has not been reported in the literature. This variant is reported in 0.00088% of alleles in individuals of European (Non-Finnish) descent in gnomAD. At this time, the clinical significance of this variant is uncertain due to the absence of conclusive functional and genetic evidence.

Ambry Genetics
Classification: Uncertain significance for Inborn genetic diseases. Last evaluated: 2023-04-11. Review status: criteria provided, single submitter. Criteria: Ambry Variant Classification Scheme 2023. Collection method: clinical testing. Allele origin: germline.